The following is an entry in ClinVar:

NM_178452.6(DNAAF1):c.148T>G (p.Cys50Gly)

Gene: DNAAF1 (dynein axonemal assembly factor 1; plus strand). Cytogenetic location: 16q24.1.
Variant type: single nucleotide variant.
Coding change: c.148T>G on transcript NM_178452.6 (MANE Select); coding-DNA position 148, T replaced by G.
Protein change: p.Cys50Gly; replaces cysteine 50 with glycine.
Molecular consequence: missense variant.
Genome position (GRCh38, 1-based): chr16:84,149,030, T>G. VCF-style: chr16-84149030-T-G. GRCh37 (hg19) VCF-style: chr16-84182635-T-G.
Other names: short protein forms C50G.
Identifiers: ClinVar variation 1773759 (VCV001773759.2), dbSNP rs1268513300, ClinGen allele CA396939816.

ClinVar aggregate classification (germline): Uncertain significance (1 of 4 stars; one submission).

Conditions:
Primary ciliary dyskinesia. Also called: Ciliary dyskinesia. Identifiers: Orphanet 244, MedGen C0008780, MONDO:0016575, HP:0012265.

gnomAD v4.1: 4 of 1,614,140 alleles (0.00025%); highest among the groups gnomAD compares: Middle Eastern, 0.049%; no homozygotes.

Submission:

Ambry Genetics
Classification: Uncertain significance for Primary ciliary dyskinesia. Last evaluated: 2017-05-16. Review status: criteria provided, single submitter. Criteria: Ambry Variant Classification Scheme 2023. Collection method: clinical testing. Allele origin: germline.
Comment: The p.C50G variant (also known as c.148T>G), located in coding exon 2 of the DNAAF1 gene, results from a T to G substitution at nucleotide position 148. The cysteine at codon 50 is replaced by glycine, an amino acid with highly dissimilar properties. This amino acid position is not well conserved in available vertebrate species. In addition, this alteration is predicted to be tolerated by in silico analysis. Since supporting evidence is limited at this time, the clinical significance of this alteration remains unclear.